The following is an entry in ClinVar:

ClinVar aggregate classification (germline): Uncertain significance. Review status: criteria provided, multiple submitters, no conflicts (2 of 4 stars). 3 submissions from 3 submitters: Uncertain significance (3). Last evaluated 2025-08-30.

Conditions:
Inborn genetic diseases. Identifiers: MedGen C0950123, MeSH D030342.

Allele frequency attached by ClinVar (database versions not stated): gnomAD 0.00003; TOPMed 0.00003; gnomAD exomes 0.00004 and 0.00005; ExAC 0.00009.
gnomAD v4.1: 56 of 1,609,246 alleles (0.0035%); highest among the groups gnomAD compares: Middle Eastern, 0.016%; no homozygotes.

Submissions (3):

Ambry Genetics
Classification: Uncertain significance for Inborn genetic diseases. Last evaluated: 2025-08-30. Review status: criteria provided, single submitter. Criteria: Ambry Variant Classification Scheme 2023. Collection method: clinical testing. Allele origin: germline.

Blueprint Genetics
Classification: Uncertain significance. Last evaluated: 2023-11-06. Review status: criteria provided, single submitter. Criteria: ACMG Guidelines, 2015. Collection method: clinical testing. Allele origin: germline.

Labcorp Genetics (formerly Invitae), Labcorp
Classification: Uncertain significance. Last evaluated: 2022-02-02. Review status: criteria provided, single submitter. Criteria: Invitae Variant Classification Sherloc (09022015). Collection method: clinical testing. Allele origin: germline.
Comment: This sequence change replaces arginine, which is basic and polar, with glutamine, which is neutral and polar, at codon 325 of the CWC27 protein (p.Arg325Gln). This variant is present in population databases (rs751408756, gnomAD 0.008%). This variant has not been reported in the literature in individuals affected with CWC27-related conditions. Algorithms developed to predict the effect of missense changes on protein structure and function (SIFT, PolyPhen-2, Align-GVGD) all suggest that this variant is likely to be tolerated. In summary, the available evidence is currently insufficient to determine the role of this variant in disease. Therefore, it has been classified as a Variant of Uncertain Significance.

NM_005869.4(CWC27):c.974G>A (p.Arg325Gln)

Gene: CWC27 (CWC27 spliceosome associated cyclophilin; plus strand). Cytogenetic location: 5q12.3.
Variant type: single nucleotide variant.
Coding change: c.974G>A on transcript NM_005869.4 (MANE Select); coding-DNA position 974, G replaced by A.
Protein change: p.Arg325Gln; replaces arginine 325 with glutamine.
Molecular consequence: missense variant.
Genome position (GRCh38, 1-based): chr5:64,885,478, G>A. VCF-style: chr5-64885478-G-A. GRCh37 (hg19) VCF-style: chr5-64181305-G-A.
Other names: c.974G>A, p.Arg325Gln (NM_001297644.1, NM_001364478.1); c.974G>A (NM_005869.2); short protein forms R325Q.
Identifiers: ClinVar variation 1416281 (VCV001416281.8), dbSNP rs751408756, ClinGen allele CA3282173.